The following is an entry in ClinVar:

ClinVar aggregate classification (germline): Uncertain significance (1 of 4 stars; one submission).

Submission:

Labcorp Genetics (formerly Invitae), Labcorp
Classification: Uncertain significance. Last evaluated: 2022-03-20. Review status: criteria provided, single submitter. Criteria: Invitae Variant Classification Sherloc (09022015). Collection method: clinical testing. Allele origin: germline.
Comment: This variant is not present in population databases (gnomAD no frequency). This variant has not been reported in the literature in individuals affected with MYLK3-related conditions. Algorithms developed to predict the effect of missense changes on protein structure and function are either unavailable or do not agree on the potential impact of this missense change (SIFT: "Tolerated"; PolyPhen-2: "Probably Damaging"; Align-GVGD: "Class C0"). In summary, the available evidence is currently insufficient to determine the role of this variant in disease. Therefore, it has been classified as a Variant of Uncertain Significance. This sequence change replaces leucine, which is neutral and non-polar, with methionine, which is neutral and non-polar, at codon 60 of the MYLK3 protein (p.Leu60Met).

NM_182493.3(MYLK3):c.178C>A (p.Leu60Met)

Gene: MYLK3 (myosin light chain kinase 3; minus strand). Cytogenetic location: 16q11.2.
Variant type: single nucleotide variant.
Coding change: c.178C>A on transcript NM_182493.3 (MANE Select); coding-DNA position 178, C replaced by A.
Protein change: p.Leu60Met; replaces leucine 60 with methionine.
Molecular consequence: missense variant. On other transcripts: intron variant (1).
Genome position (GRCh38, 1-based): chr16:46,748,016, G>T on the plus strand (C>A on the coding strand, the complement: MYLK3 is on the minus strand). VCF-style: chr16-46748016-G-T. GRCh37 (hg19) VCF-style: chr16-46781928-G-T.
Other names: c.-113-7869C>A (NM_001308301.1); short protein forms L60M.
Identifiers: ClinVar variation 2114797 (VCV002114797.4), dbSNP rs758996855, ClinGen allele CA395798663.
Genomic context (GRCh38, chr16:46,748,016, plus strand): 5'-CATCAGCCCCGCCCGGGCCCGGTGCCCGGGAGGCCTCCAGCCTGTGCAGGCCCCGCTCCA[G>T]GTGGCCCATGTCTCGGCACATGCTCTGCAACTTCTCTGTGACATCTTCTTGGAAGTGCAG-3'
Protein context (NP_872299.2, residues 50-70): LQSMCRDMGH[Leu60Met]ERGLHRLEAS